The following is an entry in ClinVar:

ClinVar aggregate classification (germline): Pathogenic. Review status: reviewed by expert panel (3 of 4 stars). 3 submissions from 3 submitters: Pathogenic (1). 2 of the submissions do not count toward it. Last evaluated 2016-09-08.

Conditions:
Hereditary breast ovarian cancer syndrome. Also called: Hereditary breast and ovarian cancer syndrome; Hereditary breast and ovarian cancer syndrome (HBOC); BRCA1- and BRCA2-Associated Hereditary Breast and Ovarian Cancer; Breast and ovarian cancer; Hereditary breast and ovarian cancer; Hereditary breast and/or ovarian cancer syndrome. Identifiers: Orphanet 145, MedGen C0677776, MeSH D061325, MONDO:0003582. Disease mechanism: loss of function.
Hereditary cancer-predisposing syndrome. Also called: Hereditary Cancer Syndrome; Hereditary neoplastic syndrome; Tumor predisposition; Neoplastic Syndromes, Hereditary. Identifiers: Orphanet 140162, MedGen C0027672, MeSH D009386, MONDO:0015356.
Breast-ovarian cancer, familial, susceptibility to, 1 (BROVCA1). Also called: OVARIAN CANCER, SUSCEPTIBILITY TO; BRCA1 Hereditary Breast and Ovarian Cancer. Identifiers: Orphanet 145, MedGen C2676676, MONDO:0011450, OMIM 604370. Disease mechanism: loss of function.

Submissions (3):

Evidence-based Network for the Interpretation of Germline Mutant Alleles (ENIGMA)
Classification: Pathogenic for Breast-ovarian cancer, familial, susceptibility to, 1. Last evaluated: 2016-09-08. Review status: reviewed by expert panel. Criteria: ENIGMA BRCA1/2 Classification Criteria (2015). Collection method: curation. Allele origin: germline.
Comment: Variant allele predicted to encode a truncated non-functional protein.

Ambry Genetics
Classification: Pathogenic for Hereditary cancer-predisposing syndrome. Last evaluated: 2015-02-17. Review status: criteria provided, single submitter. Criteria: Ambry Variant Classification Scheme 2023. Collection method: clinical testing. Allele origin: germline. Not counted in ClinVar's aggregate classification.
Comment: The c.1240dupG (also known as 1359insG) pathogenic mutation, located in coding exon 9 of the BRCA1 gene, results from a duplication of G at nucleotide position 1240, causing a translational frameshift with a predicted alternate stop codon. Since frameshifts are typically deleterious in nature, this alteration is interpreted as a disease-causing mutation (ACMG Recommendations for Standards for Interpretation and Reporting of Sequence Variations. Revision 2007. Genet Med. 2008;10:294).

Labcorp Genetics (formerly Invitae), Labcorp
Classification: Pathogenic for Hereditary breast ovarian cancer syndrome. Last evaluated: 2015-01-20. Review status: criteria provided, single submitter. Criteria: Invitae Variant Classification Sherloc (09022015). Collection method: clinical testing. Allele origin: germline. Not counted in ClinVar's aggregate classification.
Comment: While this particular sequence change has not been reported in the literature, truncating sequence changes in BRCA1 are known to be pathogenic (PMID: 8808710). This sequence change inserts 1 nucleotide in exon 10 of the BRCA1 mRNA (c.1240dupG), causing a frameshift at codon 414. This creates a premature translational stop signal 4 codons downstream (p.Asp414Glyfs*5) and is expected to result in an absent or disrupted protein product.

Literature cited by the submitters: PubMed 8808710 (cited by Labcorp Genetics (formerly Invitae), Labcorp).

NM_007294.4(BRCA1):c.1240dup (p.Asp414fs)

Gene: BRCA1 (BRCA1 DNA repair associated; minus strand). Cytogenetic location: 17q21.31.
Variant type: Duplication.
Coding change: c.1240dup on transcript NM_007294.4 (MANE Select); coding-DNA position 1240, one base duplicated (G; older notation c.1240dupG).
Protein change: p.Asp414fs; shifts the reading frame from aspartic acid 414.
Molecular consequence: frameshift variant. On other transcripts: intron variant (137).
Genome position (GRCh38, 1-based): chr17:43,094,291, C duplicated on the plus strand (G on the coding strand, the reverse complement: BRCA1 is on the minus strand); the first of 2 consecutive C bases (chr17:43,094,291-43,094,292); duplicating either gives the same sequence. VCF-style (leftmost placement, unchanged base first): chr17-43094290-T-TC. GRCh37 (hg19) VCF-style: chr17-41246307-T-TC.
Other names: c.1240dupG (NM_007294.3); c.1027dup, p.Asp343fs (NM_001407571.1, NM_001407853.1, NM_001407894.1 and 9 more transcripts); c.1240dup, p.Asp414fs (NM_001407581.1, NM_001407582.1, NM_001407583.1 and 30 more transcripts); c.1237dup, p.Asp413fs (NM_001407587.1, NM_001407590.1, NM_001407591.1 and 22 more transcripts); c.1231dup, p.Asp411fs (NM_001407646.1, NM_001407647.1); c.1117dup, p.Asp373fs (NM_001407648.1, NM_001407664.1, NM_001407665.1 and 19 more transcripts); c.1114dup, p.Asp372fs (NM_001407649.1, NM_001407670.1, NM_001407671.1 and 11 more transcripts); c.1162dup, p.Asp388fs (NM_001407653.1, NM_001407654.1, NM_001407655.1 and 4 more transcripts); and 41 more; short protein forms D367fs, D414fs, D387fs, D246fs, D286fs, D347fs, D411fs, D118fs.
Identifiers: ClinVar variation 188403 (VCV000188403.13), dbSNP rs786204260, ClinGen allele CA026485.